The following is an entry in ClinVar:

NM_003000.3(SDHB):c.17_42dup (p.Ala15delinsProSerProTer)

Gene: SDHB (succinate dehydrogenase complex iron sulfur subunit B; minus strand). Cytogenetic location: 1p36.13.
Variant type: Duplication.
Coding change: c.17_42dup on transcript NM_003000.3 (MANE Select); coding-DNA positions 17 to 42, 26 bases duplicated (CCCTCTCCTTGAGGCGCCGGTTGCCG).
Protein change: p.Ala15delinsProSerProTer.
Molecular consequence: nonsense.
Genome position (GRCh38, 1-based): chr1:17,053,978-17,054,003, CGGCAACCGGCGCCTCAAGGAGAGGG duplicated on the plus strand (CCCTCTCCTTGAGGCGCCGGTTGCCG on the coding strand, the reverse complement: SDHB is on the minus strand); duplicating any 26 consecutive bases within chr1:17,053,978-17,054,005 gives the same sequence; the c. name uses the placement nearest the transcript's 3' end. VCF-style (leftmost placement, unchanged base first): chr1-17053977-C-CCGGCAACCGGCGCCTCAAGGAGAGGG. GRCh37 (hg19) VCF-style: chr1-17380472-C-CCGGCAACCGGCGCCTCAAGGAGAGGG.
Identifiers: ClinVar variation 428926 (VCV000428926.3), dbSNP rs1553179337, ClinGen allele CA645369146.
Genomic context (GRCh38, chr1:17,053,977, plus strand): 5'-ACTTTTCCCTCTCTGAGGCTCCAGGACTCACCTGCAGGCAGGCTCCGCCAAGGGTTGTGG[C>CCGGCAACCGGCGCCTCAAGGAGAGGG]CGGCAACCGGCGCCTCAAGGAGAGGGCGACCACCGCCGCCATCTTGGCTCCTGACGTCAG-3'

ClinVar aggregate classification (germline): Pathogenic (1 of 4 stars; one submission).

Conditions:
Hereditary cancer-predisposing syndrome. Also called: Hereditary Cancer Syndrome; Neoplastic Syndromes, Hereditary; Hereditary neoplastic syndrome; Tumor predisposition. Identifiers: Orphanet 140162, MedGen C0027672, MeSH D009386, MONDO:0015356.

Submission:

Ambry Genetics
Classification: Pathogenic for Hereditary cancer-predisposing syndrome. Last evaluated: 2014-03-10. Review status: criteria provided, single submitter. Criteria: Ambry Autosomal Dominant and X-Linked criteria (10/2015). Collection method: clinical testing. Allele origin: germline. Observed: 1 variant allele.
Comment: Ã¢â‚¬â€¹The c.17_42dup26 pathogenic mutation, located in coding exon 1 of the SDHB gene, results from a duplication of 26 nucleotides at positions 17 to 42, causing a translational frameshift with a predicted alternate stop codon. This mutation was identified in a cohort of patients with non-syndromic PCCs and/or PGLs (Jafri, M et al. Clin Endocrinol (Oxf). 2013 Jun;78(6):898-906). In addition to the clinical data presented in the literature, since frameshifts are typically deleterious in nature, this alteration is interpreted as a disease-causing mutation (ACMG Recommendations for Standards for Interpretation and Reporting of Sequence Variations. Revision 2007. Genet Med. 2008;10:294).